The following is an entry in ClinVar:

NM_001009944.3(PKD1):c.4551C>A (p.Tyr1517Ter)

Gene: PKD1 (polycystin 1, transient receptor potential channel interacting; minus strand). Cytogenetic location: 16p13.3.
Variant type: single nucleotide variant.
Coding change: c.4551C>A on transcript NM_001009944.3 (MANE Select); coding-DNA position 4551, C replaced by A.
Protein change: p.Tyr1517Ter; replaces tyrosine 1517 with a stop codon.
Molecular consequence: nonsense.
Genome position (GRCh38, 1-based): chr16:2,110,616, G>T on the plus strand (C>A on the coding strand, the complement: PKD1 is on the minus strand). VCF-style: chr16-2110616-G-T. GRCh37 (hg19) VCF-style: chr16-2160617-G-T.
Other names: c.4551C>A, p.Tyr1517Ter (NM_000296.4); short protein forms Y1517*.
Identifiers: ClinVar variation 636869 (VCV000636869.38), dbSNP rs1238351274, ClinGen allele CA394379730.

ClinVar aggregate classification (germline): Pathogenic. Review status: criteria provided, multiple submitters, no conflicts (2 of 4 stars). 6 submissions from 6 submitters: Pathogenic (5). 1 of the submissions does not count toward it. Last evaluated 2026-10-07.

Conditions:
Autosomal dominant polycystic kidney disease. Identifiers: Orphanet 730, MedGen C0085413, MONDO:0004691.
Polycystic kidney disease, adult type (PKD1). Also called: Polycystic Kidney Disease 1, Autosomal Dominant; Polycystic kidney disease 1; Polycystic kidney disease 1, severe; POLYCYSTIC KIDNEY DISEASE, ADULT, TYPE I; POLYCYSTIC KIDNEY DISEASE 1 WITH OR WITHOUT POLYCYSTIC LIVER DISEASE; Polycystic Kidney, Autosomal Dominant. Identifiers: MedGen C3149841, MONDO:0008263, OMIM 173900.
PKD1-related disorder. Also called: PKD1-related condition.

Allele frequency attached by ClinVar (database versions not stated): gnomAD exomes below 0.00001.

Submissions (6):

GeneDx
Classification: Pathogenic. Last evaluated: 2026-10-07. Review status: criteria provided, single submitter. Criteria: GeneDx Variant Classification Process June 2021. Collection method: clinical testing. Allele origin: germline.
Comment: Nonsense variant predicted to result in protein truncation or nonsense mediated decay in a gene for which loss of function is a known mechanism of disease; Not observed at significant frequency in large population cohorts (gnomAD); This variant is associated with the following publications: (PMID: 35022528, 29338003, 33639313, 30333007)

PreventionGenetics, part of Exact Sciences
Classification: Pathogenic for PKD1-related condition. Last evaluated: 2026-06-28. Review status: criteria provided, single submitter. Criteria: ACMG Guidelines, 2015. Collection method: clinical testing. Allele origin: germline.
Comment: The PKD1 c.4551C>A variant is predicted to result in premature protein termination (p.Tyr1517*). This variant has been reported in individuals with autosomal dominant polycystic kidney disease (ADPKD) (see for example, Solazzo et al. 2018. PubMed ID: 29338003; He et al. 2018. PubMed ID: 30333007). This variant has not been reported in a large population database (gnomAD), indicating this variant is rare. Nonsense variants in PKD1 are expected to be pathogenic. This variant is interpreted as pathogenic.

Fulgent Genetics
Classification: Pathogenic for Polycystic kidney disease, adult type. Last evaluated: 2024-03-25. Review status: criteria provided, single submitter. Criteria: ACMG Guidelines, 2015. Collection method: clinical testing. Allele origin: germline.

Blueprint Genetics
Classification: Pathogenic for PKD1-related disorders. Last evaluated: 2018-11-28. Review status: criteria provided, single submitter. Criteria: ACMG Guidelines, 2015. Collection method: clinical testing. Allele origin: germline. Affected: yes. Observed: 1 variant allele.

Juno Genomics, Hangzhou Juno Genomics, Inc
Classification: Pathogenic for Polycystic kidney disease, adult type. Review status: criteria provided, single submitter. Criteria: ACMG Guidelines, 2015. Collection method: clinical testing. Allele origin: germline. Affected: yes.
Comment: Absent from controls (or at extremely low frequency if recessive) in Genome Aggregation Database, Exome Sequencing Project, 1000 Genomes Project, or Exome Aggregation Consortium.;Null variant in a gene where loss of function (LOF) is a known mechanism of disease.;The prevalence of the variant in affected individuals is significantly increased compared to the prevalence in controls.;Patient's phenotype or family history is highly specific for a disease with a single genetic etiology.

Laboratory of Gastroenterology and Hepatology, Radboud University Medical Center
Classification: Pathogenic for Autosomal dominant polycystic kidney disease. Last evaluated: 2021-09-01. Review status: no assertion criteria provided. Collection method: research. Allele origin: germline. Affected: yes. Not counted in ClinVar's aggregate classification.